The following is an entry in ClinVar:

ClinVar aggregate classification (germline): Likely benign (1 of 4 stars; one submission).

gnomAD v4.1: 16 of 1,613,858 alleles (0.00099%); highest among the groups gnomAD compares: African/African-American, 0.0013%; no homozygotes.

Submission:

CeGaT Center for Human Genetics Tuebingen
Classification: Likely benign. Last evaluated: 2025-11-01. Review status: criteria provided, single submitter. Criteria: CeGaT Center For Human Genetics Tuebingen Variant Classification Criteria Version 2. Collection method: clinical testing. Allele origin: germline. Affected: yes. Observed: 1 variant allele.
Comment: DOCK7: BP4, BP7

NM_001367561.1(DOCK7):c.5763C>T (p.Asp1921=)

Gene: DOCK7 (dedicator of cytokinesis 7; minus strand). Cytogenetic location: 1p31.3.
Variant type: single nucleotide variant.
Coding change: c.5763C>T on transcript NM_001367561.1 (MANE Select); coding-DNA position 5763, C replaced by T.
Protein change: p.Asp1921=; no amino-acid change (aspartic acid 1921 retained).
Molecular consequence: synonymous variant.
Genome position (GRCh38, 1-based): chr1:62,475,905, G>A on the plus strand (C>T on the coding strand, the complement: DOCK7 is on the minus strand). VCF-style: chr1-62475905-G-A. GRCh37 (hg19) VCF-style: chr1-62941576-G-A.
Other names: c.5670C>T, p.Asp1890= (NM_033407.4); c.5730C>T, p.Asp1910= (NM_001271999.2); c.5643C>T, p.Asp1881= (NM_001272000.2); c.5637C>T, p.Asp1879= (NM_001272001.2); c.5736C>T, p.Asp1912= (NM_001330614.2).
Identifiers: ClinVar variation 4535372 (VCV004535372.6).